The following is an entry in ClinVar:

NM_001723.7(DST):c.5095G>A (p.Glu1699Lys)

Gene: DST (dystonin; minus strand). Cytogenetic location: 6p12.1.
Variant type: single nucleotide variant.
Coding change: c.5095G>A on transcript NM_001723.7 (MANE Plus Clinical); coding-DNA position 5095, G replaced by A.
Protein change: p.Glu1699Lys; replaces glutamic acid 1699 with lysine.
Molecular consequence: missense variant. On other transcripts: intron variant (10).
Genome position (GRCh38, 1-based): chr6:56,618,939, C>T on the plus strand (G>A on the coding strand, the complement: DST is on the minus strand). VCF-style: chr6-56618939-C-T. GRCh37 (hg19) VCF-style: chr6-56483737-C-T.
Other names: c.4831-4455G>A (NM_001144769.5); c.4930-4455G>A (NM_001374722.1, NM_001374736.1); c.4957-4455G>A (NM_001374734.1); c.4417-4455G>A (NM_001144770.2); c.4297-4455G>A (NM_001374730.1, NM_001386100.1, NM_183380.4 and 1 more transcripts); c.3319-4455G>A (NM_015548.5); short protein forms E1699K.
Identifiers: ClinVar variation 541453 (VCV000541453.48), dbSNP rs201526616, ClinGen allele CA3870416.
Genomic context (GRCh38, chr6:56,618,939, plus strand): 5'-CTTTTTTCAACCTGTTATTTAACTCTTGCACCTGAGCTTGTTGTAGCTGAACTTTCTGCT[C>T]CCCGCGTCGCTTCTCTTCTTTGGAAGCATTCAGTTCCGCATTCAGATTTCTAACTTCTTT-3'
Protein context (NP_001714.1, residues 1689-1709): NASKEEKRRG[Glu1699Lys]QKVQLQQAQV

ClinVar aggregate classification (germline): Conflicting classifications of pathogenicity. Review status: criteria provided, conflicting classifications (1 of 4 stars). 4 submissions from 4 submitters: Uncertain significance (3); Likely benign (1). Last evaluated 2025-11-06.

Conditions:
Hereditary sensory and autonomic neuropathy type 6. Also called: HSAN VI; Neuropathy, hereditary sensory and autonomic, type VI. Identifiers: Orphanet 314381, MedGen C3539003, MONDO:0013839, OMIM 614653.
Epidermolysis bullosa simplex 3, localized or generalized intermediate, with BP230 deficiency (EBS3). Also called: Epidermolysis bullosa simplex, autosomal recessive 2; Epidermolysis bullosa simplex due to BP230 deficiency. Identifiers: Orphanet 412181, MedGen C3809470, MONDO:0014180, OMIM 615425.
DST-related disorder. Also called: DST-related disorders; DST-related condition.

Allele frequency attached by ClinVar (database versions not stated): TOPMed 0.00018; gnomAD 0.00029; ExAC 0.00045; ESP Exome Variant Server 0.00046.
gnomAD v4.1: 784 of 1,614,090 alleles (0.049%); highest among the groups gnomAD compares: South Asian, 0.065%; 2 homozygotes.

Submissions (4):

PreventionGenetics, part of Exact Sciences
Classification: Likely benign for DST-related condition. Last evaluated: 2025-11-06. Review status: criteria provided, single submitter. Criteria: ACMG Guidelines, 2015. Collection method: clinical testing. Allele origin: germline.
Comment: This variant is classified as likely benign based on ACMG/AMP sequence variant interpretation guidelines (Richards et al. 2015 PMID: 25741868, with internal and published modifications).

GeneDx
Classification: Uncertain significance. Last evaluated: 2025-10-01. Review status: criteria provided, single submitter. Criteria: GeneDx Variant Classification Process June 2021. Collection method: clinical testing. Allele origin: germline. Affected: yes.
Comment: In silico analysis suggests that this missense variant does not alter protein structure/function; Has not been previously published as pathogenic or benign to our knowledge; Reported using the transcript encoding the epithelial isoform of the gene

Labcorp Genetics (formerly Invitae), Labcorp
Classification: Uncertain significance for Epidermolysis bullosa simplex 3, localized or generalized intermediate, with BP230 deficiency; Hereditary sensory and autonomic neuropathy type 6. Last evaluated: 2022-08-23. Review status: criteria provided, single submitter. Criteria: Invitae Variant Classification Sherloc (09022015). Collection method: clinical testing. Allele origin: germline.
Comment: This sequence change replaces glutamic acid, which is acidic and polar, with lysine, which is basic and polar, at codon 1699 of the DST protein (p.Glu1699Lys). This variant is present in population databases (rs201526616, gnomAD 0.07%). This variant has not been reported in the literature in individuals affected with DST-related conditions. ClinVar contains an entry for this variant (Variation ID: 541453). Algorithms developed to predict the effect of missense changes on protein structure and function are either unavailable or do not agree on the potential impact of this missense change (SIFT: "Tolerated"; PolyPhen-2: "Probably Damaging"; Align-GVGD: "Class C0"). In summary, the available evidence is currently insufficient to determine the role of this variant in disease. Therefore, it has been classified as a Variant of Uncertain Significance.

CeGaT Center for Human Genetics Tuebingen
Classification: Uncertain significance. Last evaluated: 2021-01-01. Review status: criteria provided, single submitter. Criteria: CeGaT Center For Human Genetics Tuebingen Variant Classification Criteria Version 2. Collection method: clinical testing. Allele origin: germline. Affected: yes. Observed: 1 variant allele.